The following is an entry in ClinVar:

ClinVar aggregate classification (germline): Conflicting classifications of pathogenicity. Review status: criteria provided, conflicting classifications (1 of 4 stars). 2 submissions from 2 submitters: Uncertain significance (1); Likely benign (1). Last evaluated 2025-09-01.

Allele frequency attached by ClinVar (database versions not stated): 1000 Genomes Project 0.00020; 1000 Genomes Project 30x 0.00031; ESP Exome Variant Server 0.00123.
gnomAD v4.1: 1,924 of 1,614,220 alleles (0.12%); highest among the groups gnomAD compares: Non-Finnish European, 0.14%; 1 homozygote.

Submissions (2):

CeGaT Center for Human Genetics Tuebingen
Classification: Likely benign. Last evaluated: 2025-09-01. Review status: criteria provided, single submitter. Criteria: CeGaT Center For Human Genetics Tuebingen Variant Classification Criteria Version 2. Collection method: clinical testing. Allele origin: germline. Affected: yes. Observed: 1 variant allele.
Comment: ZFHX3: BP4, BS1

Ambry Genetics
Classification: Uncertain significance. Last evaluated: 2021-07-15. Review status: criteria provided, single submitter. Criteria: Ambry Variant Classification Scheme 2023. Collection method: clinical testing. Allele origin: germline.

NM_006885.4(ZFHX3):c.1729G>A (p.Val577Ile)

Gene: ZFHX3 (zinc finger homeobox 3; minus strand). Cytogenetic location: 16q22.3.
Variant type: single nucleotide variant.
Coding change: c.1729G>A on transcript NM_006885.4 (MANE Select); coding-DNA position 1729, G replaced by A.
Protein change: p.Val577Ile; replaces valine 577 with isoleucine.
Molecular consequence: missense variant. On other transcripts: intron variant (1).
Genome position (GRCh38, 1-based): chr16:72,958,417, C>T on the plus strand (G>A on the coding strand, the complement: ZFHX3 is on the minus strand). VCF-style: chr16-72958417-C-T. GRCh37 (hg19) VCF-style: chr16-72992316-C-T.
Other names: c.1729G>A, p.Val577Ile (NM_001386735.1); c.-23-7452G>A (NM_001164766.2); short protein forms V577I.
Identifiers: ClinVar variation 2346901 (VCV002346901.9), dbSNP rs62640001, ClinGen allele CA8164646.